The following is an entry in ClinVar:

ClinVar aggregate classification (germline): Conflicting classifications of pathogenicity. Review status: criteria provided, conflicting classifications (1 of 4 stars). 4 submissions from 4 submitters: Uncertain significance (1); Likely benign (3). Last evaluated 2026-01-26.

Conditions:
Alport syndrome. Also called: Hemorrhagic familial nephritis; Hemorrhagic hereditary nephritis; Congenital hereditary hematuria. Identifiers: Orphanet 63, MedGen C1567741, MONDO:0018965.

Allele frequency attached by ClinVar (database versions not stated): ExAC 0.00006; gnomAD exomes 0.00007; TOPMed 0.00008; gnomAD 0.00011.
gnomAD v4.1: 161 of 1,608,064 alleles (0.01%); highest among the groups gnomAD compares: Non-Finnish European, 0.013%; 1 homozygote.

Submissions (4):

Labcorp Genetics (formerly Invitae), Labcorp
Classification: Likely benign. Last evaluated: 2026-01-26. Review status: criteria provided, single submitter. Criteria: Invitae Variant Classification Sherloc (09022015). Collection method: clinical testing. Allele origin: germline.

Women's Health and Genetics/Laboratory Corporation of America, LabCorp
Classification: Likely benign. Last evaluated: 2025-06-19. Review status: criteria provided, single submitter. Criteria: LabCorp Variant Classification Summary - May 2015. Collection method: clinical testing. Allele origin: germline.
Comment: Variant summary: COL4A3 c.3419-8T>G alters a non-conserved nucleotide located at a position not widely known to affect splicing. Consensus agreement among computation tools predict no significant impact on normal splicing. However, these predictions have yet to be confirmed by functional studies. The variant allele was found at a frequency of 7.3e-05 in 247520 control chromosomes. This frequency is not significantly higher than estimated for a pathogenic variant in COL4A3 causing Alport Syndrome, Autosomal Recessive (7.3e-05 vs 0.0014), allowing no conclusion about variant significance. To our knowledge, no occurrence of c.3419-8T>G in individuals affected with Alport Syndrome, Autosomal Recessive and no experimental evidence demonstrating its impact on protein function have been reported. ClinVar contains an entry for this variant (Variation ID: 334773). Based on the evidence outlined above, the variant was classified as likely benign.

Blueprint Genetics
Classification: Likely benign. Last evaluated: 2024-11-20. Review status: criteria provided, single submitter. Criteria: ACMG Guidelines, 2015. Collection method: clinical testing. Allele origin: germline.

Illumina Laboratory Services, Illumina
Classification: Uncertain significance for Alport syndrome. Last evaluated: 2018-01-13. Review status: criteria provided, single submitter. Criteria: ICSL Variant Classification Criteria 13 December 2019. Collection method: clinical testing. Allele origin: germline.

NM_000091.5(COL4A3):c.3419-8T>G

Genes: COL4A3 (collagen type IV alpha 3 chain; plus strand), MFF-DT (MFF divergent transcript; minus strand). Cytogenetic location: 2q36.3.
Variant type: single nucleotide variant.
Coding change: c.3419-8T>G on transcript NM_000091.5 (MANE Select); 8 bases into the intron before coding-DNA position 3419, T replaced by G.
Molecular consequence: intron variant.
Genome position (GRCh38, 1-based): chr2:227,294,956, T>G. VCF-style: chr2-227294956-T-G. GRCh37 (hg19) VCF-style: chr2-228159672-T-G.
Identifiers: ClinVar variation 334773 (VCV000334773.15), dbSNP rs754483986, ClinGen allele CA2147245.